The following is an entry in ClinVar:

ClinVar aggregate classification (germline): Uncertain significance. Review status: criteria provided, single submitter (1 of 4 stars). 2 submissions from 2 submitters: Uncertain significance (1). 1 of the submissions does not count toward it. Last evaluated 2022-01-31.

Conditions:
Inborn genetic diseases. Identifiers: MedGen C0950123, MeSH D030342.
ADCY3-related disorder. Also called: ADCY3-related condition.

Allele frequency attached by ClinVar (database versions not stated): TOPMed below 0.00001; gnomAD exomes 0.00001; ExAC 0.00002.
gnomAD v4.1: 11 of 1,614,200 alleles (0.00068%); highest among the groups gnomAD compares: South Asian, 0.0044%; no homozygotes.

Submissions (2):

Ambry Genetics
Classification: Uncertain significance for Inborn genetic diseases. Last evaluated: 2022-01-31. Review status: criteria provided, single submitter. Criteria: Ambry Variant Classification Scheme 2023. Collection method: clinical testing. Allele origin: germline.

PreventionGenetics, part of Exact Sciences
Classification: Uncertain significance for ADCY3-related condition. Last evaluated: 2024-08-17. Review status: no assertion criteria provided. Collection method: clinical testing. Allele origin: germline. Not counted in ClinVar's aggregate classification.
Comment: The ADCY3 c.776G>A variant is predicted to result in the amino acid substitution p.Arg259His. To our knowledge, this variant has not been reported in the literature. This variant is reported in 0.0033% of alleles in individuals of South Asian descent in gnomAD. At this time, the clinical significance of this variant is uncertain due to the absence of conclusive functional and genetic evidence.

NM_004036.5(ADCY3):c.776G>A (p.Arg259His)

Gene: ADCY3 (adenylate cyclase 3; minus strand). Cytogenetic location: 2p23.3.
Variant type: single nucleotide variant.
Coding change: c.776G>A on transcript NM_004036.5 (MANE Select); coding-DNA position 776, G replaced by A.
Protein change: p.Arg259His; replaces arginine 259 with histidine.
Molecular consequence: missense variant.
Genome position (GRCh38, 1-based): chr2:24,872,619, C>T on the plus strand (G>A on the coding strand, the complement: ADCY3 is on the minus strand). VCF-style: chr2-24872619-C-T. GRCh37 (hg19) VCF-style: chr2-25095488-C-T.
Other names: c.776G>A, p.Arg259His (NM_001320613.2, NM_001377128.1, NM_001377129.1 and 2 more transcripts); c.53G>A, p.Arg18His (NM_001377131.1); c.776G>A (NM_001320613.1); short protein forms R18H, R259H.
Identifiers: ClinVar variation 2274827 (VCV002274827.3), dbSNP rs752799012, ClinGen allele CA1554407.
Genomic context (GRCh38, chr2:24,872,619, plus strand): 5'-GAGAGCCTCACCTGCTGCTGGCTCTGCTCTTCCAGGTTCATCTTCACCTCCAGCGACTGG[C>T]GGGCCTCCAGGAAGGCCTTGCGGTGCTTGCGGTCAGCCATGTAGTAGGACATGATGCCCA-3'
Protein context (NP_004027.2, residues 249-269): RKHRKAFLEA[Arg259His]QSLEVKMNLE